The following is an entry in ClinVar:

ClinVar aggregate classification (germline): Uncertain significance (1 of 4 stars; one submission).

Conditions:
Inborn genetic diseases. Identifiers: MedGen C0950123, MeSH D030342.

Submission:

Ambry Genetics
Classification: Uncertain significance for Inborn genetic diseases. Last evaluated: 2020-02-11. Review status: criteria provided, single submitter. Criteria: Ambry Variant Classification Scheme 2023. Collection method: clinical testing. Allele origin: germline.
Comment: The p.A299V variant (also known as c.896C>T), located in coding exon 8 of the MEF2C gene, results from a C to T substitution at nucleotide position 896. The alanine at codon 299 is replaced by valine, an amino acid with similar properties. This amino acid position is highly conserved in available vertebrate species. In addition, the in silico prediction for this alteration is inconclusive. Since supporting evidence is limited at this time, the clinical significance of this alteration remains unclear.

NM_002397.5(MEF2C):c.896C>T (p.Ala299Val)

Gene: MEF2C (myocyte enhancer factor 2C; minus strand). Cytogenetic location: 5q14.3.
Variant type: single nucleotide variant.
Coding change: c.896C>T on transcript NM_002397.5 (MANE Select); coding-DNA position 896, C replaced by T.
Protein change: p.Ala299Val; replaces alanine 299 with valine.
Molecular consequence: missense variant.
Genome position (GRCh38, 1-based): chr5:88,729,286, G>A on the plus strand (C>T on the coding strand, the complement: MEF2C is on the minus strand). VCF-style: chr5-88729286-G-A. GRCh37 (hg19) VCF-style: chr5-88025103-G-A.
Other names: c.866C>T, p.Ala289Val (NM_001131005.2, NM_001364343.2, NM_001364352.2); c.926C>T, p.Ala309Val (NM_001193347.1, NM_001364338.2); c.728C>T, p.Ala243Val (NM_001193348.1); c.752C>T, p.Ala251Val (NM_001193349.3, NM_001364332.2, NM_001364344.2 and 2 more transcripts); c.896C>T, p.Ala299Val (NM_001193350.2, NM_001363581.2, NM_001364329.2 and 9 more transcripts); c.872C>T, p.Ala291Val (NM_001308002.3, NM_001364333.2, NM_001364339.2 and 6 more transcripts); c.518C>T, p.Ala173Val (NM_001364353.2, NM_001364356.2); c.446C>T, p.Ala149Val (NM_001364357.2); short protein forms A173V, A251V, A289V, A149V, A291V, A299V, A309V, A243V.
Identifiers: ClinVar variation 1765276 (VCV001765276.2), dbSNP rs2546973140, ClinGen allele CA360422934.
Genomic context (GRCh38, chr5:88,729,286, plus strand): 5'-TATGTTGTTGAAATGGCTGATGGATATCCTCCCATTCCTTGTCCTGGTAAAGTAGGAGTT[G>A]CTACGGAAACCACTGGGGTAGCCAATGACTGAGCCGACTGGGAGTTATTTATCCTTTGAT-3'
Protein context (NP_002388.2, residues 289-309): QSLATPVVSV[Ala299Val]TPTLPGQGMG